The following is an entry in ClinVar:

ClinVar aggregate classification (germline): Likely benign (0 of 4 stars; one submission).

Conditions:
KRT17-related disorder. Also called: KRT17-related condition.

Allele frequency attached by ClinVar (database versions not stated): ExAC 0.00007; TOPMed 0.00009; gnomAD exomes 0.00015; ESP Exome Variant Server 0.00031.
gnomAD v4.1: 232 of 1,612,124 alleles (0.014%); highest among the groups gnomAD compares: Non-Finnish European, 0.019%; no homozygotes.

Submission:

PreventionGenetics, part of Exact Sciences
Classification: Likely benign for KRT17-related condition. Last evaluated: 2019-03-06. Review status: no assertion criteria provided. Collection method: clinical testing. Allele origin: germline.
Comment: This variant is classified as likely benign based on ACMG/AMP sequence variant interpretation guidelines (Richards et al. 2015 PMID: 25741868, with internal and published modifications).

NM_000422.3(KRT17):c.729T>G (p.Ala243=)

Gene: KRT17 (keratin 17; minus strand). Cytogenetic location: 17q21.2.
Variant type: single nucleotide variant.
Coding change: c.729T>G on transcript NM_000422.3 (MANE Select); coding-DNA position 729, T replaced by G.
Protein change: p.Ala243=; no amino-acid change (alanine 243 retained).
Molecular consequence: synonymous variant.
Genome position (GRCh38, 1-based): chr17:41,621,698, A>C on the plus strand (T>G on the coding strand, the complement: KRT17 is on the minus strand). VCF-style: chr17-41621698-A-C. GRCh37 (hg19) VCF-style: chr17-39777950-A-C.
Identifiers: ClinVar variation 3047324 (VCV003047324.2), dbSNP rs150297631, ClinGen allele CA8563625.